The following is an entry in ClinVar:

ClinVar aggregate classification (germline): Pathogenic (1 of 4 stars; one submission).

Submission:

Labcorp Genetics (formerly Invitae), Labcorp
Classification: Pathogenic. Last evaluated: 2024-07-15. Review status: criteria provided, single submitter. Criteria: Invitae Variant Classification Sherloc (09022015). Collection method: clinical testing. Allele origin: germline.
Comment: This sequence change creates a premature translational stop signal (p.Asp121Alafs*27) in the ECHS1 gene. It is expected to result in an absent or disrupted protein product. Loss-of-function variants in ECHS1 are known to be pathogenic (PMID: 25393721, 26000322, 27090768). This variant is not present in population databases (gnomAD no frequency). This variant has not been reported in the literature in individuals affected with ECHS1-related conditions. For these reasons, this variant has been classified as Pathogenic.

Literature cited by the submitters: PubMed 25393721; PubMed 26000322; PubMed 27090768.

NM_004092.4(ECHS1):c.362del (p.Asp121fs)

Gene: ECHS1 (enoyl-CoA hydratase, short chain 1; minus strand). Cytogenetic location: 10q26.3.
Variant type: Deletion.
Coding change: c.362del on transcript NM_004092.4 (MANE Select); coding-DNA position 362, one base deleted (A; older notation c.362delA).
Protein change: p.Asp121fs; shifts the reading frame from aspartic acid 121.
Molecular consequence: frameshift variant.
Genome position (GRCh38, 1-based): chr10:133,369,956, T deleted on the plus strand (A on the coding strand, the reverse complement: ECHS1 is on the minus strand). VCF-style (leftmost placement, unchanged base first): chr10-133369955-GT-G. GRCh37 (hg19) VCF-style: chr10-135183459-GT-G.
Other names: short protein forms D121fs.
Identifiers: ClinVar variation 3617392 (VCV003617392.2).